The following is an entry in ClinVar:

ClinVar aggregate classification (germline): Uncertain significance (1 of 4 stars; one submission).

Submission:

ISCA site 14
Classification: Uncertain significance. Last evaluated: 2011-08-12. Review status: criteria provided, single submitter. Criteria: Kaminsky et al. (Genet Med. 2011). Collection method: clinical testing. Allele origin: maternal. Affected: yes. Observed: 1 variant allele.
Comment: Copy number variation identified through the course of routine clinical cytogenomic testing in postnatal populations. Clinical assertions have been curated as described in Kaminsky et al. 2011.

GRCh38/hg38 Xq12(chrX:67585642-68127021)x3

Genes: AR (androgen receptor; plus strand), OPHN1 (oligophrenin 1; minus strand), LOC113875036 (Sharpr-MPRA regulatory region 14511; plus strand). Cytogenetic location: Xq12.
Variant type: copy number gain.
Change: copy number 3 of chrX:67,585,642-68,127,021 (541.4 kb, GRCh38 coordinates, 1-based), cytogenetic band Xq12.
Identifiers: ClinVar variation 60323 (VCV000060323.1).